The following is an entry in ClinVar:

ClinVar aggregate classification (germline): Pathogenic (1 of 4 stars; one submission).

Conditions:
Hereditary cancer-predisposing syndrome. Also called: Neoplastic Syndromes, Hereditary; Tumor predisposition; Hereditary Cancer Syndrome; Hereditary neoplastic syndrome. Identifiers: Orphanet 140162, MedGen C0027672, MeSH D009386, MONDO:0015356.

Submission:

Ambry Genetics
Classification: Pathogenic for Hereditary cancer-predisposing syndrome. Last evaluated: 2021-07-13. Review status: criteria provided, single submitter. Criteria: Ambry Variant Classification Scheme 2023. Collection method: clinical testing. Allele origin: germline.
Comment: The c.1712delG pathogenic mutation, located in coding exon 4 of the MSH6 gene, results from a deletion of one nucleotide at nucleotide position 1712, causing a translational frameshift with a predicted alternate stop codon (p.G571Vfs*15). This alteration is expected to result in loss of function by premature protein truncation or nonsense-mediated mRNA decay. As such, this alteration is interpreted as a disease-causing mutation.

NM_000179.3(MSH6):c.1712del (p.Gly571fs)

Gene: MSH6 (mutS homolog 6; plus strand). Cytogenetic location: 2p16.3.
Variant type: Deletion.
Coding change: c.1712del on transcript NM_000179.3 (MANE Select); coding-DNA position 1712, one base deleted (G; older notation c.1712delG).
Protein change: p.Gly571fs; shifts the reading frame from glycine 571.
Molecular consequence: frameshift variant.
Genome position (GRCh38, 1-based): chr2:47,799,695, G deleted; the last of 2 consecutive G bases (chr2:47,799,694-47,799,695); deleting either gives the same sequence. VCF-style (leftmost placement, unchanged base first): chr2-47799693-AG-A. GRCh37 (hg19) VCF-style: chr2-48026832-AG-A.
Other names: c.1322del, p.Gly441fs (NM_001281492.2); c.806del, p.Gly269fs (NM_001281493.2, NM_001281494.2); c.1808delG, p.Gly603Valfs (NM_001406795.1, NM_001406802.1); c.1712delG, p.Gly571Valfs (NM_001406796.1, NM_001406798.1, NM_001406800.1 and 3 more transcripts); c.1415delG, p.Gly472Valfs (NM_001406797.1, NM_001406801.1, NM_001406805.1 and 10 more transcripts); c.1187delG, p.Gly396Valfs (NM_001406799.1, NM_001406806.1, NM_001406807.1); c.1634delG, p.Gly545Valfs (NM_001406804.1); c.806delG, p.Gly269Valfs (NM_001406811.1, NM_001406812.1, NM_001406814.1 and 4 more transcripts); and 2 more; short protein forms G269fs, G571fs, G441fs.
Identifiers: ClinVar variation 1778589 (VCV001778589.2), dbSNP rs2530626082, ClinGen allele CA2580067682.
Genomic context (GRCh38, chr2:47,799,693, plus strand): 5'-TGGCCATACTCGTGCATATGGTGTGTGCTTTGTTGATACTTCACTGGGAAAGTTTTTCAT[AG>A]GTCAGTTTTCAGATGATCGCCATTGTTCGAGATTTAGGACTCTAGTGGCACACTATCCCC-3'